The following is an entry in ClinVar:

ClinVar aggregate classification (germline): Uncertain significance. Review status: criteria provided, multiple submitters, no conflicts (2 of 4 stars). 4 submissions from 4 submitters: Uncertain significance (4). Last evaluated 2026-01-31.

Conditions:
Brugada syndrome. Also called: Sudden unexpected nocturnal death syndrome; Sudden unexplained nocturnal death syndrome; Sudden Unexplained Death Syndrome; Sudden Unexplained Nocturnal Death Syndrome (SUNDS). Identifiers: Orphanet 130, MedGen C1142166, MONDO:0015263.
Cardiovascular phenotype. Identifiers: MedGen CN230736.

Allele frequency attached by ClinVar (database versions not stated): ExAC 0.00001; gnomAD exomes 0.00001 and 0.00002; gnomAD 0.00002; TOPMed 0.00002.

Submissions (4):

Women's Health and Genetics/Laboratory Corporation of America, LabCorp
Classification: Uncertain significance. Last evaluated: 2026-01-31. Review status: criteria provided, single submitter. Criteria: LabCorp Variant Classification Summary - May 2015. Collection method: clinical testing. Allele origin: germline.

Ambry Genetics
Classification: Uncertain significance for Cardiovascular phenotype. Last evaluated: 2025-08-24. Review status: criteria provided, single submitter. Criteria: Ambry Variant Classification Scheme 2023. Collection method: clinical testing. Allele origin: germline.

Labcorp Genetics (formerly Invitae), Labcorp
Classification: Uncertain significance for Brugada syndrome. Last evaluated: 2025-05-01. Review status: criteria provided, single submitter. Criteria: Invitae Variant Classification Sherloc (09022015). Collection method: clinical testing. Allele origin: germline.
Comment: This sequence change replaces cysteine, which is neutral and slightly polar, with arginine, which is basic and polar, at codon 1523 of the SCN10A protein (p.Cys1523Arg). This variant is present in population databases (rs763221534, gnomAD 0.002%). This variant has not been reported in the literature in individuals affected with SCN10A-related conditions. ClinVar contains an entry for this variant (Variation ID: 1022838). Invitae Evidence Modeling of protein sequence and biophysical properties (such as structural, functional, and spatial information, amino acid conservation, physicochemical variation, residue mobility, and thermodynamic stability) indicates that this missense variant is expected to disrupt SCN10A protein function with a positive predictive value of 80%. In summary, the available evidence is currently insufficient to determine the role of this variant in disease. Therefore, it has been classified as a Variant of Uncertain Significance.

Mayo Clinic Laboratories, Mayo Clinic
Classification: Uncertain significance. Last evaluated: 2021-04-29. Review status: criteria provided, single submitter. Criteria: ACMG Guidelines, 2015. Collection method: clinical testing. Allele origin: germline.

NM_006514.4(SCN10A):c.4567T>C (p.Cys1523Arg)

Gene: SCN10A (sodium voltage-gated channel alpha subunit 10; minus strand). Cytogenetic location: 3p22.2.
Variant type: single nucleotide variant.
Coding change: c.4567T>C on transcript NM_006514.4 (MANE Select); coding-DNA position 4567, T replaced by C.
Protein change: p.Cys1523Arg; replaces cysteine 1523 with arginine.
Molecular consequence: missense variant.
Genome position (GRCh38, 1-based): chr3:38,701,929, A>G on the plus strand (T>C on the coding strand, the complement: SCN10A is on the minus strand). VCF-style: chr3-38701929-A-G. GRCh37 (hg19) VCF-style: chr3-38743420-A-G.
Other names: p.Cys1523Arg; c.4564T>C, p.Cys1522Arg (NM_001293306.2); c.4273T>C, p.Cys1425Arg (NM_001293307.2); short protein forms C1425R, C1522R, C1523R.
Identifiers: ClinVar variation 1022838 (VCV001022838.12), dbSNP rs763221534, ClinGen allele CA2319872.